The following is an entry in ClinVar:

NM_001035.3(RYR2):c.12217G>A (p.Asp4073Asn)

Gene: RYR2 (ryanodine receptor 2; plus strand). Cytogenetic location: 1q43.
Variant type: single nucleotide variant.
Coding change: c.12217G>A on transcript NM_001035.3 (MANE Select); coding-DNA position 12217, G replaced by A.
Protein change: p.Asp4073Asn; replaces aspartic acid 4073 with asparagine.
Molecular consequence: missense variant.
Genome position (GRCh38, 1-based): chr1:237,783,929, G>A. VCF-style: chr1-237783929-G-A. GRCh37 (hg19) VCF-style: chr1-237947229-G-A.
Other names: p.D4073N:GAT>AAT; c.12217G>A, p.Asp4073Asn (LRG_402t1); short protein forms D4073N.
Identifiers: ClinVar variation 201322 (VCV000201322.8), dbSNP rs768341298, ClinGen allele CA007375.

ClinVar aggregate classification (germline): Uncertain significance. Review status: criteria provided, multiple submitters, no conflicts (2 of 4 stars). 5 submissions from 5 submitters: Uncertain significance (5). Last evaluated 2024-07-15.

Conditions:
Cardiomyopathy (CMYO). Also called: Cardiomyopathies. Identifiers: Orphanet 167848, MedGen C0878544, MONDO:0004994, HP:0001638. Inheritance: Various modes of inheritance.
RYR2-related disorder. Also called: RYR2-related condition.
Catecholaminergic polymorphic ventricular tachycardia (CVPT). Also called: Catecholamine-induced polymorphic ventricular tachycardia. Identifiers: Orphanet 3286, MedGen C5574922, MONDO:0017990.
Catecholaminergic polymorphic ventricular tachycardia 1. Also called: RYR2-Related Catecholaminergic Polymorphic Ventricular Tachycardia; VENTRICULAR TACHYCARDIA, CATECHOLAMINERGIC POLYMORPHIC, 1, WITH OR WITHOUT ATRIAL DYSFUNCTION AND/OR DILATED CARDIOMYOPATHY; VENTRICULAR TACHYCARDIA, STRESS-INDUCED POLYMORPHIC 1. Identifiers: Orphanet 3286, MedGen C1631597, MONDO:0011484, OMIM 604772.

Allele frequency attached by ClinVar (database versions not stated): gnomAD exomes below 0.00001; ExAC 0.00001; gnomAD 0.00001; TOPMed 0.00001.
gnomAD v4.1: 3 of 1,613,370 alleles (0.00019%); highest among the groups gnomAD compares: Admixed American, 0.0017%; no homozygotes.

Submissions (5):

Labcorp Genetics (formerly Invitae), Labcorp
Classification: Uncertain significance for Catecholaminergic polymorphic ventricular tachycardia 1. Last evaluated: 2024-07-15. Review status: criteria provided, single submitter. Criteria: Invitae Variant Classification Sherloc (09022015). Collection method: clinical testing. Allele origin: germline.
Comment: This sequence change replaces aspartic acid, which is acidic and polar, with asparagine, which is neutral and polar, at codon 4073 of the RYR2 protein (p.Asp4073Asn). This variant is present in population databases (rs768341298, gnomAD 0.0009%). This variant has not been reported in the literature in individuals affected with RYR2-related conditions. ClinVar contains an entry for this variant (Variation ID: 201322). Advanced modeling of protein sequence and biophysical properties (such as structural, functional, and spatial information, amino acid conservation, physicochemical variation, residue mobility, and thermodynamic stability) performed at Invitae indicates that this missense variant is not expected to disrupt RYR2 protein function with a negative predictive value of 95%. In summary, the available evidence is currently insufficient to determine the role of this variant in disease. Therefore, it has been classified as a Variant of Uncertain Significance.

All of Us Research Program, National Institutes of Health
Classification: Uncertain significance for Catecholaminergic polymorphic ventricular tachycardia. Last evaluated: 2023-12-18. Review status: criteria provided, single submitter. Criteria: ACMG Guidelines, 2015. Collection method: clinical testing. Allele origin: germline. Inheritance: Autosomal dominant inheritance. Observed: 1 variant allele, 1 heterozygote.
Comment: This missense variant replaces aspartic acid with asparagine at codon 4073 of the RYR2 protein. Computational prediction suggests that this variant may not impact protein structure and function (internally defined REVEL score threshold <= 0.5, PMID: 27666373). To our knowledge, functional studies have not been reported for this variant. This variant has not been reported in individuals affected with cardiovascular disorders in the literature. This variant has been identified in 1/247112 chromosomes in the general population by the Genome Aggregation Database (gnomAD). The available evidence is insufficient to determine the role of this variant in disease conclusively. Therefore, this variant is classified as a Variant of Uncertain Significance.

This study involves interpretation of variants in research participants for the purpose of population health screening. Participant phenotype was not available at the time of variant classification. Additional details can be found in publication PMID: 35346344, PMCID: PMC8962531

Color Diagnostics, LLC DBA Color Health
Classification: Uncertain significance for Cardiomyopathy. Last evaluated: 2023-11-30. Review status: criteria provided, single submitter. Criteria: ACMG Guidelines, 2015. Collection method: clinical testing. Allele origin: germline.
Comment: This missense variant replaces aspartic acid with asparagine at codon 4073 of the RYR2 protein. Computational prediction tools indicate that this variant has a neutral impact on protein structure and function. To our knowledge, functional studies have not been reported for this variant. This variant has not been reported in individuals affected with RYR2-related disorders in the literature. This variant has been identified in 1/247112 chromosomes in the general population by the Genome Aggregation Database (gnomAD). The available evidence is insufficient to determine the role of this variant in disease conclusively. Therefore, this variant is classified as a Variant of Uncertain Significance.

PreventionGenetics, part of Exact Sciences
Classification: Uncertain significance for RYR2-related condition. Last evaluated: 2022-08-29. Review status: criteria provided, single submitter. Criteria: ACMG Guidelines, 2015. Collection method: clinical testing. Allele origin: germline.
Comment: The RYR2 c.12217G>A variant is predicted to result in the amino acid substitution p.Asp4073Asn. To our knowledge, this variant has not been reported in the literature. This variant is reported in 0.00090% of alleles in individuals of European (Non-Finnish) descent in gnomAD. At this time, the clinical significance of this variant is uncertain due to the absence of conclusive functional and genetic evidence.

GeneDx
Classification: Uncertain significance. Last evaluated: 2014-05-29. Review status: criteria provided, single submitter. Criteria: GeneDx Variant Classification (06012015). Collection method: clinical testing. Allele origin: germline. Affected: yes.
Comment: p.Asp4073Asn (GAT>AAT): c.12217 G>A in exon 90 of the RYR2 gene (NM_001035.2). The D4073N variant has not been published as a mutation, nor has it been reported as a benign polymorphism to our knowledge. The D4073N variant was not observed in approximately 6,200 individuals of European and African American ancestry in the NHLBI Exome Sequencing Project, indicating it is not a common benign variant in these populations. The D4073N variant is a semi-conservative amino acid substitution, which may impact secondary protein structure as these residues differ in some properties. This substitution occurs at a position that is conserved when present across species. Another missense mutation in a nearby residue (E4076K) has been reported in association with polymorphic ventricular tachycardia, supporting the functional importance of this region of the protein. Furthermore, D4073N is located in the channel region, a mutation hot-spot" of the RYR2 gene (Medeiros-Domingo A et al., 2009). Nevertheless, in silico analysis is inconsistent in its predictions as to whether or not the variant is damaging to the protein structure/function. Therefore, based on the currently available information, it is unclear whether this variant is a pathogenic mutation or a rare benign variant. The variant is found in CARDIOMYOPATHY panel(s)."